The following is an entry in ClinVar:

NM_001170629.2(CHD8):c.3798_3799dup (p.Met1267fs)

Gene: CHD8 (chromodomain helicase DNA binding protein 8; minus strand). Cytogenetic location: 14q11.2.
Variant type: Microsatellite.
Coding change: c.3798_3799dup on transcript NM_001170629.2 (MANE Select); coding-DNA positions 3798 to 3799, 2 bases duplicated (GA; older notation c.3798_3799dupGA).
Protein change: p.Met1267fs; shifts the reading frame from methionine 1267.
Molecular consequence: frameshift variant.
Genome position (GRCh38, 1-based): chr14:21,402,419-21,402,420, TC duplicated on the plus strand (GA on the coding strand, the reverse complement: CHD8 is on the minus strand); duplicating any 2 consecutive bases within chr14:21,402,419-21,402,428 gives the same sequence; the c. name uses the placement nearest the transcript's 3' end. VCF-style (leftmost placement, unchanged base first): chr14-21402418-A-ATC. GRCh37 (hg19) VCF-style: chr14-21870577-A-ATC.
Other names: c.2961_2962dup, p.Met988fs (NM_020920.4); short protein forms M988fs, M1267fs.
Identifiers: ClinVar variation 3721329 (VCV003721329.2).

ClinVar aggregate classification (germline): Pathogenic (1 of 4 stars; one submission).

Submission:

Labcorp Genetics (formerly Invitae), Labcorp
Classification: Pathogenic. Last evaluated: 2024-10-08. Review status: criteria provided, single submitter. Criteria: Invitae Variant Classification Sherloc (09022015). Collection method: clinical testing. Allele origin: germline.
Comment: This sequence change creates a premature translational stop signal (p.Met1267Argfs*20) in the CHD8 gene. It is expected to result in an absent or disrupted protein product. Loss-of-function variants in CHD8 are known to be pathogenic (PMID: 24998929, 26789910). This variant is not present in population databases (gnomAD no frequency). This variant has not been reported in the literature in individuals affected with CHD8-related conditions. Algorithms developed to predict the effect of sequence changes on RNA splicing suggest that this variant may disrupt the consensus splice site. For these reasons, this variant has been classified as Pathogenic.

Literature cited by the submitters: PubMed 24998929; PubMed 26789910.